The following is an entry in ClinVar:

ClinVar aggregate classification (germline): Pathogenic (1 of 4 stars; one submission).

Conditions:
Congenital disorder of deglycosylation (CDDG). Identifiers: MedGen C3808991, MONDO:0031376.

Submission:

Labcorp Genetics (formerly Invitae), Labcorp
Classification: Pathogenic for Congenital disorder of deglycosylation. Last evaluated: 2022-06-20. Review status: criteria provided, single submitter. Criteria: Invitae Variant Classification Sherloc (09022015). Collection method: clinical testing. Allele origin: unknown.
Comment: For these reasons, this variant has been classified as Pathogenic. This variant has not been reported in the literature in individuals affected with NGLY1-related conditions. This variant is a gross deletion of the genomic region encompassing exon(s) 1-2 of the NGLY1 gene, which includes the initiator codon. This deletion extends beyond the assayed region for this gene and therefore may encompass additional genes. It is expected to result in an absent or disrupted protein product. Loss-of-function variants in NGLY1 are known to be pathogenic (PMID: 24651605).

Literature cited by the submitters: PubMed 24651605.

NC_000003.11:g.(?_25820045)_(25824901_?)del

Gene: NGLY1 (N-glycanase 1; minus strand). Cytogenetic location: 3p24.2.
Variant type: Deletion.
Identifiers: ClinVar variation 3246928 (VCV003246928.1).